The following is an entry in ClinVar:

ClinVar aggregate classification (germline): Uncertain significance (1 of 4 stars; one submission).

Conditions:
Brugada syndrome 8 (BRGDA8). Identifiers: Orphanet 130, MedGen C2751083, MONDO:0013148, OMIM 613123.

Submission:

Labcorp Genetics (formerly Invitae), Labcorp
Classification: Uncertain significance for Brugada syndrome 8. Last evaluated: 2022-04-04. Review status: criteria provided, single submitter. Criteria: Invitae Variant Classification Sherloc (09022015). Collection method: clinical testing. Allele origin: germline.
Comment: This sequence change replaces valine, which is neutral and non-polar, with alanine, which is neutral and non-polar, at codon 1007 of the HCN4 protein (p.Val1007Ala). This variant is not present in population databases (gnomAD no frequency). This variant has not been reported in the literature in individuals affected with HCN4-related conditions. Advanced modeling of protein sequence and biophysical properties (such as structural, functional, and spatial information, amino acid conservation, physicochemical variation, residue mobility, and thermodynamic stability) performed at Invitae indicates that this missense variant is not expected to disrupt HCN4 protein function. In summary, the available evidence is currently insufficient to determine the role of this variant in disease. Therefore, it has been classified as a Variant of Uncertain Significance.

NM_005477.3(HCN4):c.3020T>C (p.Val1007Ala)

Gene: HCN4 (hyperpolarization activated cyclic nucleotide gated potassium channel 4; minus strand). Cytogenetic location: 15q24.1.
Variant type: single nucleotide variant.
Coding change: c.3020T>C on transcript NM_005477.3 (MANE Select); coding-DNA position 3020, T replaced by C.
Protein change: p.Val1007Ala; replaces valine 1007 with alanine.
Molecular consequence: missense variant.
Genome position (GRCh38, 1-based): chr15:73,323,073, A>G on the plus strand (T>C on the coding strand, the complement: HCN4 is on the minus strand). VCF-style: chr15-73323073-A-G. GRCh37 (hg19) VCF-style: chr15-73615414-A-G.
Other names: short protein forms V1007A.
Identifiers: ClinVar variation 2413932 (VCV002413932.3), dbSNP rs2549068336, ClinGen allele CA393086427.